The following is an entry in ClinVar:

ClinVar aggregate classification (germline): Likely pathogenic (3 of 4 stars; one submission).

Conditions:
Glanzmann thrombasthenia. Also called: PLATELET GLYCOPROTEIN IIb-IIIa DEFICIENCY; Glanzmann's thrombasthenia; BLEEDING DISORDER, PLATELET-TYPE, 2; THROMBASTHENIA OF GLANZMANN AND NAEGELI; Thrombasthenia. Identifiers: Orphanet 849, MedGen C0040015, MONDO:0100326.

Submission:

ClinGen Platelet Disorders Variant Curation Expert Panel, ClinGen
Classification: Likely pathogenic for Glanzmann thrombasthenia. Last evaluated: 2025-03-06. Review status: reviewed by expert panel. Criteria: ClinGen Platelet ACMG Specifications v2-1. Collection method: curation. Allele origin: germline. Inheritance: Autosomal recessive inheritance.
Comment: The NM_000212.3(ITGB3):c.1814G>A (p.Gly605Asp) missense variant is absent from gnomAD v4.1 (PM2_Supporting). The computational predictor REVEL gives a score of 0.966, which is above the ClinGen PD VCEP threshold of >0.7 and predicts a damaging effect on function (PP3). Another missense variant c.1813G>A (p.Gly605Ser) in the same codon has been classified as likely pathogenic for Glanzmann thrombasthenia by the ClinGen PD VCEP (PM5_supporting). This variant has been reported in one GT patient (PMID: 29615672), this patient displayed mucocutaneous bleeding and impaired aggregation with all agonists except ristocetin, which is highly specific for Glanzmann thrombasthenia. Additionally, αIIbβ3 surface expression was severely reduced to 6-7%, as measured by flow cytometry (PP4_strong). In summary this variant meets criteria to be classified as Likely Pathogenic for autosomal recessive Glanzmann Thrombasthenia based on the ACMG/AMP criteria applied, as specified by the ClinGen PD VCEP: PM2_supporting, PM3_supporitng, PM5_supporting, PP3, PP4_strong. (VCEP specifications version 2)

NM_000212.3(ITGB3):c.1814G>A (p.Gly605Asp)

Gene: ITGB3 (integrin subunit beta 3; plus strand). Cytogenetic location: 17q21.32.
Variant type: single nucleotide variant.
Coding change: c.1814G>A on transcript NM_000212.3 (MANE Select); coding-DNA position 1814, G replaced by A.
Protein change: p.Gly605Asp; replaces glycine 605 with aspartic acid.
Molecular consequence: missense variant.
Genome position (GRCh38, 1-based): chr17:47,299,431, G>A. VCF-style: chr17-47299431-G-A. GRCh37 (hg19) VCF-style: chr17-45376797-G-A.
Other names: NM_000212.3:c.1814G>A; short protein forms G605D.
Identifiers: ClinVar variation 1691461 (VCV001691461.3), dbSNP rs2143130130, ClinGen allele CA400032596.
Genomic context (GRCh38, chr17:47,299,431, plus strand): 5'-ACTGTACCACGCGTACTGACACCTGCATGTCCAGCAATGGGCTGCTGTGCAGCGGCCGCG[G>A]CAAGTGTGAATGTGGCAGCTGTGTCTGTATCCAGCCGGGCTCCTATGGGGACACCTGTGA-3'
Protein context (NP_000203.2, residues 595-615): SSNGLLCSGR[Gly605Asp]KCECGSCVCI